The following is an entry in ClinVar:

NM_182476.3(COQ6):c.1078C>T (p.Arg360Trp)

Genes: COQ6 (coenzyme Q6, monooxygenase; plus strand), ENTPD5 (ectonucleoside triphosphate diphosphohydrolase 5; minus strand). Cytogenetic location: 14q24.3.
Variant type: single nucleotide variant.
Coding change: c.1078C>T on transcript NM_182476.3 (MANE Select); coding-DNA position 1078, C replaced by T.
Protein change: p.Arg360Trp; replaces arginine 360 with tryptophan.
Molecular consequence: missense variant. On other transcripts: 3 prime UTR variant (1), intron variant (5).
Genome position (GRCh38, 1-based): chr14:73,961,359, C>T. VCF-style: chr14-73961359-C-T. GRCh37 (hg19) VCF-style: chr14-74428062-C-T.
Other names: c.1078C>T, p.Arg360Trp (NM_001425255.1); c.970C>T, p.Arg324Trp (NM_001425256.1); c.913C>T, p.Arg305Trp (NM_001425257.1); c.895C>T, p.Arg299Trp (NM_001425258.1); c.853C>T, p.Arg285Trp (NM_001425259.1, NM_001425260.1, NM_001425261.1); c.823C>T, p.Arg275Trp (NM_001425262.1); c.751C>T, p.Arg251Trp (NM_001425263.1); c.538C>T, p.Arg180Trp (NM_001425264.1, NM_001425265.1); and 5 more; short protein forms R335W, R360W.
Identifiers: ClinVar variation 1370573 (VCV001370573.10), dbSNP rs778856227, ClinGen allele CA7264427.
Genomic context (GRCh38, chr14:73,961,359, plus strand): 5'-GCCAAAAGCCGAGTTCTGTTTCCTCTTGGGTTGGGACATGCTGCTGAGTACGTCAGGCCT[C>T]GGGTGGCGCTCATTGGGTAAGACGATAACAGAGCAGGGCCACTCCCTTCTCACTTTGCTG-3'
Protein context (NP_872282.1, residues 350-370): LGHAAEYVRP[Arg360Trp]VALIGDAAHR

ClinVar aggregate classification (germline): Conflicting classifications of pathogenicity. Review status: criteria provided, conflicting classifications (1 of 4 stars). 4 submissions from 4 submitters: Likely pathogenic (3); Uncertain significance (1). Last evaluated 2025-03-31.

Conditions:
Familial steroid-resistant nephrotic syndrome with sensorineural deafness. Identifiers: Orphanet 280406, MedGen C3553349, MONDO:0013836, OMIM 614650.

Allele frequency attached by ClinVar (database versions not stated): gnomAD exomes 0.00001; ExAC 0.00001.
gnomAD v4.1: 9 of 1,614,206 alleles (0.00056%); highest among the groups gnomAD compares: Non-Finnish European, 0.00068%; no homozygotes.

Submissions (4):

Labcorp Genetics (formerly Invitae), Labcorp
Classification: Likely pathogenic. Last evaluated: 2025-03-31. Review status: criteria provided, single submitter. Criteria: Invitae Variant Classification Sherloc (09022015). Collection method: clinical testing. Allele origin: germline.
Comment: This sequence change replaces arginine, which is basic and polar, with tryptophan, which is neutral and slightly polar, at codon 360 of the COQ6 protein (p.Arg360Trp). This variant is present in population databases (rs778856227, gnomAD 0.003%). This missense change has been observed in individual(s) with coenzyme Q10 deficiency (PMID: 28173653, 30232548, 35483523). In at least one individual the data is consistent with being in trans (on the opposite chromosome) from a pathogenic variant. ClinVar contains an entry for this variant (Variation ID: 1370573). Invitae Evidence Modeling of protein sequence and biophysical properties (such as structural, functional, and spatial information, amino acid conservation, physicochemical variation, residue mobility, and thermodynamic stability) indicates that this missense variant is expected to disrupt COQ6 protein function with a positive predictive value of 80%. In summary, the currently available evidence indicates that the variant is pathogenic, but additional data are needed to prove that conclusively. Therefore, this variant has been classified as Likely Pathogenic.

Revvity Omics, Revvity
Classification: Uncertain significance for Familial steroid-resistant nephrotic syndrome with sensorineural deafness. Last evaluated: 2024-09-04. Review status: criteria provided, single submitter. Criteria: ACMG Guidelines, 2015. Collection method: clinical testing. Allele origin: germline.

Fulgent Genetics
Classification: Likely pathogenic for Familial steroid-resistant nephrotic syndrome with sensorineural deafness. Last evaluated: 2024-06-18. Review status: criteria provided, single submitter. Criteria: ACMG Guidelines, 2015. Collection method: clinical testing. Allele origin: germline.

Department of Pathology and Laboratory Medicine, Sinai Health System
Classification: Likely pathogenic for familial steroid-resistant nephrotic syndrome with sensorineural deafness. Last evaluated: 2023-08-21. Review status: criteria provided, single submitter. Criteria: ACMG Guidelines, 2015. Collection method: research. Allele origin: germline.

Literature cited by the submitters: PubMed 28173653 (cited by Labcorp Genetics (formerly Invitae), Labcorp); PubMed 30232548 (cited by Labcorp Genetics (formerly Invitae), Labcorp); PubMed 35483523 (cited by Labcorp Genetics (formerly Invitae), Labcorp).